The following is an entry in ClinVar:

ClinVar aggregate classification (germline): Likely benign (1 of 4 stars; one submission).

Allele frequency attached by ClinVar (database versions not stated): 1000 Genomes Project 30x 0.01296; 1000 Genomes Project 0.01338; TOPMed 0.02248; gnomAD 0.02443 and 0.02492.
gnomAD v4.1: 38,179 of 1,271,532 alleles (3%); highest among the groups gnomAD compares: Non-Finnish European, 3.5%; 688 homozygotes.

Submission:

GeneDx
Classification: Likely benign. Last evaluated: 2018-06-14. Review status: criteria provided, single submitter. Criteria: GeneDx Variant Classification (06012015). Collection method: clinical testing. Allele origin: germline. Affected: yes.
Comment: This variant is considered likely benign or benign based on one or more of the following criteria: it is a conservative change, it occurs at a poorly conserved position in the protein, it is predicted to be benign by multiple in silico algorithms, and/or has population frequency not consistent with disease.

NM_005902.4(SMAD3):c.532+118G>A

Gene: SMAD3 (SMAD family member 3; plus strand). Cytogenetic location: 15q22.33.
Variant type: single nucleotide variant.
Coding change: c.532+118G>A on transcript NM_005902.4 (MANE Select); 118 bases into the intron after coding-DNA position 532, G replaced by A.
Molecular consequence: intron variant.
Genome position (GRCh38, 1-based): chr15:67,165,502, G>A. VCF-style: chr15-67165502-G-A. GRCh37 (hg19) VCF-style: chr15-67457840-G-A.
Other names: c.217+118G>A (NM_001145102.2); c.400+118G>A (NM_001145103.2).
Identifiers: ClinVar variation 674298 (VCV000674298.1), dbSNP rs56336520, ClinGen allele CA14120537.